The following is an entry in ClinVar:

ClinVar aggregate classification (germline): Pathogenic (1 of 4 stars; one submission).

Conditions:
Hereditary nonpolyposis colorectal neoplasms. Identifiers: MedGen C0009405, MeSH D003123.

Submission:

Labcorp Genetics (formerly Invitae), Labcorp
Classification: Pathogenic for Hereditary nonpolyposis colorectal neoplasms. Last evaluated: 2024-01-11. Review status: criteria provided, single submitter. Criteria: Invitae Variant Classification Sherloc (09022015). Collection method: clinical testing. Allele origin: unknown.
Comment: A gross deletion of the genomic region encompassing the full coding sequence of the PMS2 gene has been identified. Loss-of-function variants in PMS2 are known to be pathogenic (PMID: 21376568, 24362816). The boundaries of this event are unknown as they extend beyond the assayed region for this gene and therefore may encompass additional genes. A similar copy number variant has been observed in individual(s) with clinical features of Lynch syndrome (PMID: 16472587, 17453009, 20186688). For these reasons, this variant has been classified as Pathogenic.

Literature cited by the submitters: PubMed 21376568; PubMed 24362816; PubMed 16472587; PubMed 17453009; PubMed 20186688.

NC_000007.13:g.(?_6026370)_(6048650_?)del

Gene: PMS2 (PMS1 homolog 2, mismatch repair system component; minus strand). Cytogenetic location: 7p22.1.
Variant type: Deletion.
Identifiers: ClinVar variation 3245663 (VCV003245663.1).